The following is an entry in ClinVar:

ClinVar aggregate classification (germline): Uncertain significance (1 of 4 stars; one submission).

Conditions:
Arrhythmogenic right ventricular cardiomyopathy (ARVD). Also called: Arrhythmogenic right ventricular dysplasia; Cardiomyopathy, ARVC; Arrhythmogenic cardiomyopathy; Arrhythmogenic Right Ventricular Cardiomyopathy (ARVC). Identifiers: Orphanet 247, MedGen C0349788, MeSH D019571, MONDO:0016587. Disease mechanism: loss of function. Inheritance: Various modes of inheritance.

Submission:

All of Us Research Program, National Institutes of Health
Classification: Uncertain significance for Arrhythmogenic right ventricular cardiomyopathy. Last evaluated: 2023-06-26. Review status: criteria provided, single submitter. Criteria: ACMG Guidelines, 2015. Collection method: clinical testing. Allele origin: germline. Inheritance: Autosomal dominant inheritance. Observed: 1 variant allele, 1 heterozygote.
Comment: This missense variant replaces proline with alanine at codon 238 of the PKP2 protein. Computational prediction suggests that this variant may not impact protein structure and function (internally defined REVEL score threshold <= 0.5, PMID: 27666373). To our knowledge, functional studies have not been reported for this variant. This variant has not been reported in individuals affected with PKP2-related disorders in the literature. This variant has not been identified in the general population by the Genome Aggregation Database (gnomAD). The available evidence is insufficient to determine the role of this variant in disease conclusively. Therefore, this variant is classified as a Variant of Uncertain Significance.

This study involves interpretation of variants in research participants for the purpose of population health screening. Participant phenotype was not available at the time of variant classification. Additional details can be found in publication PMID: 35346344, PMCID: PMC8962531

NM_001005242.3(PKP2):c.712C>G (p.Pro238Ala)

Gene: PKP2 (plakophilin 2; minus strand). Cytogenetic location: 12p11.21.
Variant type: single nucleotide variant.
Coding change: c.712C>G on transcript NM_001005242.3 (MANE Select); coding-DNA position 712, C replaced by G.
Protein change: p.Pro238Ala; replaces proline 238 with alanine.
Molecular consequence: missense variant.
Genome position (GRCh38, 1-based): chr12:32,878,168, G>C on the plus strand (C>G on the coding strand, the complement: PKP2 is on the minus strand). VCF-style: chr12-32878168-G-C. GRCh37 (hg19) VCF-style: chr12-33031102-G-C.
Other names: c.712C>G, p.Pro238Ala (NM_001407155.1, NM_001407156.1, NM_001407157.1 and 2 more transcripts); c.385C>G, p.Pro129Ala (NM_001407158.1, NM_001407159.1, NM_001407160.1 and 1 more transcripts); short protein forms P129A, P238A.
Identifiers: ClinVar variation 3072121 (VCV003072121.1), dbSNP rs2541340197, ClinGen allele CA384363121.